The following is an entry in ClinVar:

NM_001204.7(BMPR2):c.1276+3A>G

Gene: BMPR2 (bone morphogenetic protein receptor type 2; plus strand). Cytogenetic location: 2q33.2.
Variant type: single nucleotide variant.
Coding change: c.1276+3A>G on transcript NM_001204.7 (MANE Select); 3 bases into the intron after coding-DNA position 1276, A replaced by G.
Molecular consequence: intron variant.
Genome position (GRCh38, 1-based): chr2:202,532,735, A>G. VCF-style: chr2-202532735-A-G. GRCh37 (hg19) VCF-style: chr2-203397458-A-G.
Other names: c.1276+3A>G (LRG_712t1).
Identifiers: ClinVar variation 425912 (VCV000425912.5), dbSNP rs1085307329, ClinGen allele CA645293833.

ClinVar aggregate classification (germline): Likely pathogenic. Review status: reviewed by expert panel (3 of 4 stars). 3 submissions from 3 submitters: Likely pathogenic (1). 2 of the submissions do not count toward it. Last evaluated 2026-04-10.

Conditions:
Pulmonary arterial hypertension. Identifiers: Orphanet 182090, MedGen C2973725, MeSH D000081029, MONDO:0015924, HP:0002092.
Primary pulmonary hypertension. Also called: Idiopathic pulmonary hypertension. Identifiers: MedGen C0152171.
Pulmonary hypertension, primary, 1 (PPH1). Also called: Pulmonary hypertension, familial primary, 1, with or without HHT. Identifiers: Orphanet 422, MedGen C4552070, MONDO:0024533, OMIM 178600.

Submissions (3):

Clingen Pulmonary Hypertension Variant Curation Expert Panel, ClinGen
Classification: Likely pathogenic for Pulmonary arterial hypertension. Last evaluated: 2026-04-10. Review status: reviewed by expert panel. Criteria: ClinGen PH ACMG Specifications BMPR2 V2.0.0. Collection method: curation. Allele origin: germline. Inheritance: Autosomal dominant inheritance.
Comment: The BMPR2 c.1276+3A>G variant is a non-canonical splice site (+3) variant located in intron 9. The variant is absent from gnomAD v.2.1.1 and v4.1.0 (PM2_supporting) and was reported in a single proband with heritable PAH (PMID: 16429395). In silico prediction (SpliceAI = 0.59) indicates a likely impact on splicing with loss of the canonical donor site in intron 9 (PP3). This predicted splicing event matches a known likely pathogenic variant (c.1276+4A>G) within the same donor site (PMID: 37352859) (PS1_supporting). Exon skipping or use of a cryptic splice site would disrupt the region encoding the conserved intracellular kinase domain (PM1_strong). No familial segregation data were available, and no functional analysis has been reported for this variant. In summary, the variant meets the criteria to be classified as likely pathogenic for pulmonary arterial hypertension based on the ACMG/AMP criteria applied, as specified by the ClinGen Pulmonary Hypertension VCEP: PM1_strong, PS1_supporting, PM2_supporting, PP3 (VCEP specification version 2.0, 1/30/2026).

Labcorp Genetics (formerly Invitae), Labcorp
Classification: Uncertain significance for Primary pulmonary hypertension. Last evaluated: 2024-11-12. Review status: criteria provided, single submitter. Criteria: Invitae Variant Classification Sherloc (09022015). Collection method: clinical testing. Allele origin: germline. Not counted in ClinVar's aggregate classification.
Comment: This sequence change falls in intron 9 of the BMPR2 gene. It does not directly change the encoded amino acid sequence of the BMPR2 protein. It affects a nucleotide within the consensus splice site. This variant is not present in population databases (gnomAD no frequency). This variant has been observed in individuals with pulmonary hypertension (PMID: 16429395). ClinVar contains an entry for this variant (Variation ID: 425912). Variants that disrupt the consensus splice site are a relatively common cause of aberrant splicing (PMID: 17576681, 9536098). Algorithms developed to predict the effect of sequence changes on RNA splicing suggest that this variant may disrupt the consensus splice site. This variant disrupts the c.1276+3A nucleotide in BMPR2. Other variant(s) that disrupt this nucleotide have been observed in individuals with BMPR2-related conditions (PMID: 20534176), which suggests that this may be a clinically significant nucleotide. In summary, the available evidence is currently insufficient to determine the role of this variant in disease. Therefore, it has been classified as a Variant of Uncertain Significance.

Rare Disease Genomics Group, St George's University of London
Classification: Pathogenic for Primary pulmonary hypertension. Review status: no assertion criteria provided. Collection method: literature only. Allele origin: germline. Affected: yes. Not counted in ClinVar's aggregate classification.

Literature cited by the submitters: PubMed 16429395 (cited by Labcorp Genetics (formerly Invitae), Labcorp and Rare Disease Genomics Group, St George's University of London); PubMed 17576681 (cited by Labcorp Genetics (formerly Invitae), Labcorp); PubMed 9536098 (cited by Labcorp Genetics (formerly Invitae), Labcorp); PubMed 20534176 (cited by Labcorp Genetics (formerly Invitae), Labcorp).